The following is an entry in ClinVar:

NM_005188.4(CBL):c.1401_1402del (p.Phe468fs)

Gene: CBL (Cbl proto-oncogene; plus strand). Cytogenetic location: 11q23.3.
Variant type: Microsatellite.
Coding change: c.1401_1402del on transcript NM_005188.4 (MANE Select); coding-DNA positions 1401 to 1402, 2 bases deleted (CT; older notation c.1401_1402delCT).
Protein change: p.Phe468fs; shifts the reading frame from phenylalanine 468.
Molecular consequence: frameshift variant.
Genome position (GRCh38, 1-based): chr11:119,278,683-119,278,684, CT deleted; deleting any 2 consecutive bases within chr11:119,278,679-119,278,684 gives the same sequence; the c. name uses the placement nearest the transcript's 3' end. VCF-style (leftmost placement, unchanged base first): chr11-119278678-ACT-A. GRCh37 (hg19) VCF-style: chr11-119149388-ACT-A.
Other names: short protein forms F468fs.
Identifiers: ClinVar variation 1302518 (VCV001302518.5), dbSNP rs2135304862, ClinGen allele CA2580615102.
Genomic context (GRCh38, chr11:119,278,678, plus strand): 5'-GGAGCAGAGGGAGCTCCCTCCCCAAATTATGATGATGATGATGATGAACGAGCTGATGAT[ACT>A]CTCTTCATGATGAAGGAATTGGCTGGTGCCAAGGTAAGATGGCAGTTTAGGAGACTGGCA-3'

ClinVar aggregate classification (germline): Uncertain significance. Review status: criteria provided, multiple submitters, no conflicts (2 of 4 stars). 2 submissions from 2 submitters: Uncertain significance (2). Last evaluated 2023-11-15.

Conditions:
RASopathy. Also called: rasopathies; Noonan spectrum disorder. Identifiers: Orphanet 536391, MedGen C5555857, MONDO:0021060.

Submissions (2):

Labcorp Genetics (formerly Invitae), Labcorp
Classification: Uncertain significance for RASopathy. Last evaluated: 2023-11-15. Review status: criteria provided, single submitter. Criteria: Invitae Variant Classification Sherloc (09022015). Collection method: clinical testing. Allele origin: germline.
Comment: This sequence change creates a premature translational stop signal (p.Phe468Hisfs*33) in the CBL gene. It is expected to result in an absent or disrupted protein product. However, the current clinical and genetic evidence is not sufficient to establish whether loss-of-function variants in CBL cause disease. This variant is not present in population databases (gnomAD no frequency). This variant has not been reported in the literature in individuals affected with CBL-related conditions. In summary, the available evidence is currently insufficient to determine the role of this variant in disease. Therefore, it has been classified as a Variant of Uncertain Significance.

GeneDx
Classification: Uncertain significance. Last evaluated: 2019-05-09. Review status: criteria provided, single submitter. Criteria: GeneDx Variant Classification Process June 2021. Collection method: clinical testing. Allele origin: germline. Affected: yes.
Comment: Frameshift variant predicted to result in protein truncation or nonsense mediated decay in a gene for which loss-of-function is not an established mechanism of disease for Noonan spectrum disorders; Not observed in large population cohorts (Lek et al., 2016); Has not been previously published as pathogenic or benign to our knowledge